The following is an entry in ClinVar:

ClinVar aggregate classification (germline): Likely pathogenic (1 of 4 stars; one submission).

Conditions:
CACNA1A-related disorder. Also called: CACNA1A-related condition.

Submission:

PreventionGenetics, part of Exact Sciences
Classification: Likely pathogenic for CACNA1A-related condition. Last evaluated: 2023-05-11. Review status: criteria provided, single submitter. Criteria: ACMG Guidelines, 2015. Collection method: clinical testing. Allele origin: germline.
Comment: The CACNA1A c.362dupT variant is predicted to result in a frameshift and premature protein termination (p.Pro122Alafs*2). To our knowledge, this variant has not been reported in the literature or in a large population database, indicating this variant is rare. Frameshift variants in CACNA1A are expected to be pathogenic. Therefore we interpret c.362dup (p.Pro122Alafs*2) as likely pathogenic.

NM_001127222.2(CACNA1A):c.362dup (p.Pro122fs)

Gene: CACNA1A (calcium voltage-gated channel subunit alpha1 A; minus strand). Cytogenetic location: 19p13.13.
Variant type: Duplication.
Coding change: c.362dup on transcript NM_001127222.2 (MANE Select); coding-DNA position 362, one base duplicated (T; older notation c.362dupT).
Protein change: p.Pro122fs; shifts the reading frame from proline 122.
Molecular consequence: frameshift variant.
Genome position (GRCh38, 1-based): chr19:13,455,144, A duplicated on the plus strand (T on the coding strand, the reverse complement: CACNA1A is on the minus strand). VCF-style (leftmost placement, unchanged base first): chr19-13455143-C-CA. GRCh37 (hg19) VCF-style: chr19-13565957-C-CA.
Other names: c.362dup, p.Pro122fs (NM_000068.4, NM_001127221.2, NM_001174080.2 and 1 more transcripts); short protein forms P122fs.
Identifiers: ClinVar variation 2633172 (VCV002633172.1), dbSNP rs2513512123, ClinGen allele CA2695198150.